The following is an entry in ClinVar:

ClinVar aggregate classification (germline): Pathogenic (1 of 4 stars; one submission).

Submission:

Labcorp Genetics (formerly Invitae), Labcorp
Classification: Pathogenic. Last evaluated: 2023-02-02. Review status: criteria provided, single submitter. Criteria: Invitae Variant Classification Sherloc (09022015). Collection method: clinical testing. Allele origin: unknown.
Comment: A gross deletion of the genomic region encompassing the full coding sequence of the SLC1A4 gene has been identified. Loss-of-function variants in SLC1A4 are known to be pathogenic (PMID: 26041762, 27848944, 30125339). The boundaries of this event are unknown as they extend beyond the assayed region for this gene and therefore may encompass additional genes. This variant has not been reported in the literature in individuals affected with SLC1A4-related conditions. For these reasons, this variant has been classified as Pathogenic.

Literature cited by the submitters: PubMed 26041762; PubMed 27848944; PubMed 30125339.

NC_000002.11:g.(?_65216778)_(65248280_?)del

Gene: SLC1A4 (solute carrier family 1 member 4; plus strand). Cytogenetic location: 2p14.
Variant type: Deletion.
Identifiers: ClinVar variation 3247511 (VCV003247511.1).